The following is an entry in ClinVar:

ClinVar aggregate classification (germline): Uncertain significance (1 of 4 stars; one submission).

Conditions:
Symmetrical dyschromatosis of extremities (DSH). Also called: DYSCHROMATOSIS SYMMETRICA HEREDITARIA 1; RETICULATE ACROPIGMENTATION OF DOHI; SYMMETRIC DYSCHROMATOSIS OF THE EXTREMITIES; Dyschromatosis symmetrica hereditaria. Identifiers: Orphanet 41, MedGen C0406775, MONDO:0007483, OMIM 127400.
Aicardi-Goutieres syndrome 6 (AGS6). Identifiers: Orphanet 51, MedGen C3539013, MONDO:0014007, OMIM 615010.

gnomAD v4.1: 8 of 1,614,038 alleles (0.0005%); highest among the groups gnomAD compares: Non-Finnish European, 0.00068%; no homozygotes.

Submission:

Labcorp Genetics (formerly Invitae), Labcorp
Classification: Uncertain significance for Aicardi-Goutieres syndrome 6; Symmetrical dyschromatosis of extremities. Last evaluated: 2025-05-26. Review status: criteria provided, single submitter. Criteria: Invitae Variant Classification Sherloc (09022015). Collection method: clinical testing. Allele origin: germline.
Comment: This sequence change replaces serine, which is neutral and polar, with glycine, which is neutral and non-polar, at codon 938 of the ADAR protein (p.Ser938Gly). This variant is present in population databases (no rsID available, gnomAD 0.02%). This variant has not been reported in the literature in individuals affected with ADAR-related conditions. Invitae Evidence Modeling of protein sequence and biophysical properties (such as structural, functional, and spatial information, amino acid conservation, physicochemical variation, residue mobility, and thermodynamic stability) indicates that this missense variant is not expected to disrupt ADAR protein function with a negative predictive value of 80%. In summary, the available evidence is currently insufficient to determine the role of this variant in disease. Therefore, it has been classified as a Variant of Uncertain Significance.

NM_001111.5(ADAR):c.2812A>G (p.Ser938Gly)

Gene: ADAR (adenosine deaminase RNA specific; minus strand). Cytogenetic location: 1q21.3.
Variant type: single nucleotide variant.
Coding change: c.2812A>G on transcript NM_001111.5 (MANE Select); coding-DNA position 2812, A replaced by G.
Protein change: p.Ser938Gly; replaces serine 938 with glycine.
Molecular consequence: missense variant.
Genome position (GRCh38, 1-based): chr1:154,588,624, T>C on the plus strand (A>G on the coding strand, the complement: ADAR is on the minus strand). VCF-style: chr1-154588624-T-C. GRCh37 (hg19) VCF-style: chr1-154561100-T-C.
Other names: c.1927A>G, p.Ser643Gly (NM_001025107.3, NM_001193495.2, NM_001365046.1 and 2 more transcripts); c.2839A>G, p.Ser947Gly (NM_001365045.1); c.1849A>G, p.Ser617Gly (NM_001365049.1); c.2734A>G, p.Ser912Gly (NM_015840.4); c.2677A>G, p.Ser893Gly (NM_015841.4); short protein forms S893G, S912G, S938G, S617G, S947G, S643G.
Identifiers: ClinVar variation 4792601 (VCV004792601.1).